The following is an entry in ClinVar:

ClinVar aggregate classification (germline): Uncertain significance (1 of 4 stars; one submission).

Conditions:
Inborn genetic diseases. Identifiers: MedGen C0950123, MeSH D030342.

Submission:

Ambry Genetics
Classification: Uncertain significance for Inborn genetic diseases. Last evaluated: 2023-01-27. Review status: criteria provided, single submitter. Criteria: Ambry Variant Classification Scheme 2023. Collection method: clinical testing. Allele origin: germline.
Comment: The c.3224G>T (p.G1075V) alteration is located in exon 21 (coding exon 18) of the ZMYM2 gene. This alteration results from a G to T substitution at nucleotide position 3224, causing the glycine (G) at amino acid position 1075 to be replaced by a valine (V). This variant was not reported in population-based cohorts in the Genome Aggregation Database (gnomAD). This amino acid position is highly conserved in available vertebrate species. The in silico prediction for this alteration is inconclusive. Based on insufficient or conflicting evidence, the clinical significance of this alteration remains unclear.

NM_197968.4(ZMYM2):c.3224G>T (p.Gly1075Val)

Gene: ZMYM2 (zinc finger MYM-type containing 2; plus strand). Cytogenetic location: 13q12.11.
Variant type: single nucleotide variant.
Coding change: c.3224G>T on transcript NM_197968.4 (MANE Select); coding-DNA position 3224, G replaced by T.
Protein change: p.Gly1075Val; replaces glycine 1075 with valine.
Molecular consequence: missense variant. On other transcripts: non-coding transcript variant (1).
Genome position (GRCh38, 1-based): chr13:20,066,942, G>T. VCF-style: chr13-20066942-G-T. GRCh37 (hg19) VCF-style: chr13-20641082-G-T.
Other names: c.3224G>T, p.Gly1075Val (NM_001190964.4, NM_001190965.4, NM_001353157.2 and 5 more transcripts); c.3029G>T, p.Gly1010Val (NM_001353161.3); c.2963G>T, p.Gly988Val (NM_001353163.2); short protein forms G1010V, G1075V, G988V.
Identifiers: ClinVar variation 2336328 (VCV002336328.3), dbSNP rs2140884765, ClinGen allele CA387466819.